The following is an entry in ClinVar:

NM_000020.3(ACVRL1):c.1355C>T (p.Pro452Leu)

Gene: ACVRL1 (activin A receptor like type 1; plus strand). Cytogenetic location: 12q13.13.
Variant type: single nucleotide variant.
Coding change: c.1355C>T on transcript NM_000020.3 (MANE Select); coding-DNA position 1355, C replaced by T.
Protein change: p.Pro452Leu; replaces proline 452 with leucine.
Molecular consequence: missense variant.
Genome position (GRCh38, 1-based): chr12:51,919,093, C>T. VCF-style: chr12-51919093-C-T. GRCh37 (hg19) VCF-style: chr12-52312877-C-T.
Other names: c.1355C>T, p.Pro452Leu (NM_001077401.2); short protein forms P452L.
Identifiers: ClinVar variation 439369 (VCV000439369.13), dbSNP rs1555153848, ClinGen allele CA384904714.

ClinVar aggregate classification (germline): Pathogenic. Review status: criteria provided, multiple submitters, no conflicts (2 of 4 stars). 2 submissions from 2 submitters: Pathogenic (2). Last evaluated 2026-01-07.

Conditions:
Telangiectasia, hereditary hemorrhagic, type 2 (HHT2). Also called: Telangiectasia, hereditary hemorrhagic, type II; ACVRL1-Related Hereditary Hemorrhagic Telangiectasia. Identifiers: Orphanet 774, MedGen C1838163, MONDO:0010880, OMIM 600376. Disease mechanism: loss of function.

Submissions (2):

Labcorp Genetics (formerly Invitae), Labcorp
Classification: Pathogenic for Telangiectasia, hereditary hemorrhagic, type 2. Last evaluated: 2026-01-07. Review status: criteria provided, single submitter. Criteria: Invitae Variant Classification Sherloc (09022015). Collection method: clinical testing. Allele origin: germline.
Comment: This sequence change replaces proline, which is neutral and non-polar, with leucine, which is neutral and non-polar, at codon 452 of the ACVRL1 protein (p.Pro452Leu). This variant is not present in population databases (gnomAD no frequency). This missense change has been observed in individual(s) with clinical features of hereditary hemorrhagic telangiectasia (PMID: 15712271, 19767588; internal data). It has also been observed to segregate with disease in related individuals. ClinVar contains an entry for this variant (Variation ID: 439369). Invitae Evidence Modeling of protein sequence and biophysical properties (such as structural, functional, and spatial information, amino acid conservation, physicochemical variation, residue mobility, and thermodynamic stability) has been performed for this missense variant. However, the output from this modeling did not meet the statistical confidence thresholds required to predict the impact of this variant on ACVRL1 protein function. For these reasons, this variant has been classified as Pathogenic.

ARUP Laboratories, Molecular Genetics and Genomics, ARUP Laboratories
Classification: Pathogenic for Telangiectasia, hereditary hemorrhagic, type 2. Last evaluated: 2023-03-14. Review status: criteria provided, single submitter. Criteria: ARUP Molecular Germline Variant Investigation Process 2024. Collection method: clinical testing. Allele origin: germline.
Comment: The ACVRL1 c.1355C>T; p.Pro452Leu variant (rs1555153848) is reported in the literature in individuals with a clinical diagnosis of hereditary hemorrhagic telangiectasia (Abdalla 2005, Bossler 2006, McDonald 2009). This variant is reported in ClinVar (Variation ID: 439369), and is absent from the Genome Aggregation Database, indicating it is not a common polymorphism. The proline at codon 452 is highly conserved, and computational analyses predict that this variant is deleterious (REVEL: 0.816). Based on available information, the p.Pro452Leu variant is considered to be pathogenic. References: Abdalla SA et al. Novel mutations and polymorphisms in genes causing hereditary hemorrhagic telangiectasia. Hum Mutat. 2005 25(3):320-1. PMID: 15712271. Bossler AD et al. Novel mutations in ENG and ACVRL1 identified in a series of 200 individuals undergoing clinical genetic testing for hereditary hemorrhagic telangiectasia (HHT): correlation of genotype with phenotype. Hum Mutat. 2006 27(7):667-75. PMID: 16752392. McDonald J et al. Multiple sequence variants in hereditary hemorrhagic telangiectasia cases: illustration of complexity in molecular diagnostic interpretation. J Mol Diagn. 2009 11(6):569-75. PMID: 19767588.

Literature cited by the submitters: PubMed 15712271 (cited by Labcorp Genetics (formerly Invitae), Labcorp); PubMed 19767588 (cited by Labcorp Genetics (formerly Invitae), Labcorp).